The following is an entry in ClinVar:

NM_198569.3(ADGRG6):c.708A>C (p.Ala236=)

Gene: ADGRG6 (adhesion G protein-coupled receptor G6; plus strand). Cytogenetic location: 6q24.2.
Variant type: single nucleotide variant.
Coding change: c.708A>C on transcript NM_198569.3 (MANE Select); coding-DNA position 708, A replaced by C.
Protein change: p.Ala236=; no amino-acid change (alanine 236 retained).
Molecular consequence: synonymous variant.
Genome position (GRCh38, 1-based): chr6:142,370,432, A>C. VCF-style: chr6-142370432-A-C. GRCh37 (hg19) VCF-style: chr6-142691569-A-C.
Other names: c.708A>C, p.Ala236= (NM_001032394.3, NM_001032395.3, NM_020455.6).
Identifiers: ClinVar variation 730434 (VCV000730434.28), dbSNP rs201621259, ClinGen allele CA4026700.

ClinVar aggregate classification (germline): Likely benign. Review status: criteria provided, multiple submitters, no conflicts (2 of 4 stars). 2 submissions from 2 submitters: Likely benign (2). Last evaluated 2022-05-01.

Allele frequency attached by ClinVar (database versions not stated): ExAC 0.00054; gnomAD exomes 0.00054 and 0.00032; ESP Exome Variant Server 0.00076; gnomAD 0.00035 and 0.00036; TOPMed 0.00036.
gnomAD v4.1: 541 of 1,613,594 alleles (0.034%); highest among the groups gnomAD compares: Middle Eastern, 0.13%; 2 homozygotes.

Submissions (2):

CeGaT Center for Human Genetics Tuebingen
Classification: Likely benign. Last evaluated: 2022-05-01. Review status: criteria provided, single submitter. Criteria: CeGaT Center For Human Genetics Tuebingen Variant Classification Criteria Version 2. Collection method: clinical testing. Allele origin: germline. Affected: yes. Observed: 1 variant allele.
Comment: ADGRG6: BP4, BP7

Labcorp Genetics (formerly Invitae), Labcorp
Classification: Likely benign. Last evaluated: 2019-12-31. Review status: criteria provided, single submitter. Criteria: Invitae Variant Classification Sherloc (09022015). Collection method: clinical testing. Allele origin: germline.